The following is an entry in ClinVar:

ClinVar aggregate classification (germline): Uncertain significance (1 of 4 stars; one submission).

Conditions:
Gorlin syndrome. Also called: Nevoid Basal Cell Carcinoma Syndrome; Basal cell nevus syndrome. Identifiers: Orphanet 377, MedGen C0004779, MONDO:0007187.

Allele frequency attached by ClinVar (database versions not stated): TOPMed below 0.00001; ExAC 0.00001; 1000 Genomes Project 30x 0.00016; 1000 Genomes Project 0.00020.
gnomAD v4.1: 6 of 1,610,682 alleles (0.00037%); highest among the groups gnomAD compares: African/African-American, 0.004%; no homozygotes.

Submission:

Labcorp Genetics (formerly Invitae), Labcorp
Classification: Uncertain significance for Gorlin syndrome. Last evaluated: 2023-07-19. Review status: criteria provided, single submitter. Criteria: Invitae Variant Classification Sherloc (09022015). Collection method: clinical testing. Allele origin: germline.
Comment: This sequence change replaces glycine, which is neutral and non-polar, with cysteine, which is neutral and slightly polar, at codon 207 of the PTCH2 protein (p.Gly207Cys). The frequency data for this variant in the population databases is considered unreliable, as metrics indicate poor data quality at this position in the gnomAD database. This variant has not been reported in the literature in individuals affected with PTCH2-related conditions. ClinVar contains an entry for this variant (Variation ID: 1933692). An algorithm developed to predict the effect of missense changes on protein structure and function (PolyPhen-2) suggests that this variant is likely to be disruptive. In summary, the available evidence is currently insufficient to determine the role of this variant in disease. Therefore, it has been classified as a Variant of Uncertain Significance.

NM_003738.5(PTCH2):c.619G>T (p.Gly207Cys)

Gene: PTCH2 (patched 2; minus strand). Cytogenetic location: 1p34.1.
Variant type: single nucleotide variant.
Coding change: c.619G>T on transcript NM_003738.5 (MANE Select); coding-DNA position 619, G replaced by T.
Protein change: p.Gly207Cys; replaces glycine 207 with cysteine.
Molecular consequence: missense variant.
Genome position (GRCh38, 1-based): chr1:44,831,042, C>A on the plus strand (G>T on the coding strand, the complement: PTCH2 is on the minus strand). VCF-style: chr1-44831042-C-A. GRCh37 (hg19) VCF-style: chr1-45296714-C-A.
Other names: c.619G>T, p.Gly207Cys (NM_001166292.2); short protein forms G207C.
Identifiers: ClinVar variation 1933692 (VCV001933692.5), dbSNP rs201990939, ClinGen allele CA823563.